The following is an entry in ClinVar:

ClinVar aggregate classification (germline): Benign. Review status: criteria provided, single submitter (1 of 4 stars). 2 submissions from 2 submitters: Benign (1). 1 of the submissions does not count toward it. Last evaluated 2026-01-28.

Conditions:
PKD1L1-related disorder. Also called: PKD1L1-related condition.

Allele frequency attached by ClinVar (database versions not stated): ESP Exome Variant Server 0.00015; gnomAD exomes 0.00345; gnomAD 0.00582; TOPMed 0.00875; ExAC 0.01068; 1000 Genomes Project 30x 0.01905; 1000 Genomes Project 0.01997.
gnomAD v4.1: 5,929 of 1,614,208 alleles (0.37%); highest among the groups gnomAD compares: East Asian, 7.2%; 194 homozygotes.

Submissions (2):

Labcorp Genetics (formerly Invitae), Labcorp
Classification: Benign. Last evaluated: 2026-01-28. Review status: criteria provided, single submitter. Criteria: Invitae Variant Classification Sherloc (09022015). Collection method: clinical testing. Allele origin: germline.

PreventionGenetics, part of Exact Sciences
Classification: Benign for PKD1L1-related condition. Last evaluated: 2020-01-28. Review status: no assertion criteria provided. Collection method: clinical testing. Allele origin: germline. Not counted in ClinVar's aggregate classification.
Comment: This variant is classified as benign based on ACMG/AMP sequence variant interpretation guidelines (Richards et al. 2015 PMID: 25741868, with internal and published modifications).

NM_138295.5(PKD1L1):c.2964C>A (p.Phe988Leu)

Gene: PKD1L1 (polycystin 1 like 1, transient receptor potential channel interacting; minus strand). Cytogenetic location: 7p12.3.
Variant type: single nucleotide variant.
Coding change: c.2964C>A on transcript NM_138295.5 (MANE Select); coding-DNA position 2964, C replaced by A.
Protein change: p.Phe988Leu; replaces phenylalanine 988 with leucine.
Molecular consequence: missense variant.
Genome position (GRCh38, 1-based): chr7:47,885,927, G>T on the plus strand (C>A on the coding strand, the complement: PKD1L1 is on the minus strand). VCF-style: chr7-47885927-G-T. GRCh37 (hg19) VCF-style: chr7-47925525-G-T.
Other names: c.2964C>A (NM_138295.3); short protein forms F988L.
Identifiers: ClinVar variation 2037457 (VCV002037457.6), dbSNP rs57109564, ClinGen allele CA4253579.